The following is an entry in ClinVar:

ClinVar aggregate classification (germline): Uncertain significance (1 of 4 stars; one submission).

Conditions:
Dyskeratosis congenita, autosomal dominant 1 (DKCA1). Also called: Dyskeratosis congenita Scoggins type. Identifiers: Orphanet 1775, MedGen C4551974, MONDO:0007485, OMIM 127550. Inheritance: Variable.

Submission:

Labcorp Genetics (formerly Invitae), Labcorp
Classification: Uncertain significance for Dyskeratosis congenita, autosomal dominant 1. Last evaluated: 2022-12-24. Review status: criteria provided, single submitter. Criteria: Invitae Variant Classification Sherloc (09022015). Collection method: clinical testing. Allele origin: germline.
Comment: This variant is located at the 5’ end of the TERC RNA component (PMID: 15082312, 21844345). The functional significance of this region is not well understood. This variant occurs in the TERC gene, which encodes an RNA molecule that does not result in a protein product. This variant is not present in population databases (gnomAD no frequency). This variant has not been reported in the literature in individuals affected with TERC-related conditions. In summary, the available evidence is currently insufficient to determine the role of this variant in disease. Therefore, it has been classified as a Variant of Uncertain Significance.

Literature cited by the submitters: PubMed 15082312; PubMed 21844345.

NC_000003.12:g.169765057A>T

Genes: TERC (telomerase RNA component; minus strand), LOC110806306 (telomerase RNA component (TERC) promoter; plus strand). Cytogenetic location: 3q26.2.
Variant type: single nucleotide variant.
Genome position: GRCh38 VCF-style: chr3-169765057-A-T. GRCh37 (hg19) VCF-style: chr3-169482845-A-T.
Identifiers: ClinVar variation 2823729 (VCV002823729.3), dbSNP rs748304964, ClinGen allele CA436716074.